The following is an entry in ClinVar:

ClinVar aggregate classification (germline): Uncertain significance (1 of 4 stars; one submission).

Allele frequency attached by ClinVar (database versions not stated): gnomAD exomes below 0.00001; TOPMed below 0.00001.
gnomAD v4.1: 1 of 1,614,126 alleles (0.000062%); highest among the groups gnomAD compares: Non-Finnish European, 0.000085%; no homozygotes.

Submission:

Labcorp Genetics (formerly Invitae), Labcorp
Classification: Uncertain significance. Last evaluated: 2025-11-25. Review status: criteria provided, single submitter. Criteria: Invitae Variant Classification Sherloc (09022015). Collection method: clinical testing. Allele origin: germline.
Comment: This sequence change replaces glycine, which is neutral and non-polar, with valine, which is neutral and non-polar, at codon 238 of the SHPK protein (p.Gly238Val). This variant is present in population databases (no rsID available, gnomAD 0.0009%). This variant has not been reported in the literature in individuals affected with SHPK-related conditions. ClinVar contains an entry for this variant (Variation ID: 1374529). An algorithm developed to predict the effect of missense changes on protein structure and function (PolyPhen-2) suggests that this variant is likely to be disruptive. In summary, the available evidence is currently insufficient to determine the role of this variant in disease. Therefore, it has been classified as a Variant of Uncertain Significance.

NM_013276.4(SHPK):c.713G>T (p.Gly238Val)

Gene: SHPK (sedoheptulokinase; minus strand). Cytogenetic location: 17p13.2.
Variant type: single nucleotide variant.
Coding change: c.713G>T on transcript NM_013276.4 (MANE Select); coding-DNA position 713, G replaced by T.
Protein change: p.Gly238Val; replaces glycine 238 with valine.
Molecular consequence: missense variant.
Genome position (GRCh38, 1-based): chr17:3,621,347, C>A on the plus strand (G>T on the coding strand, the complement: SHPK is on the minus strand). VCF-style: chr17-3621347-C-A. GRCh37 (hg19) VCF-style: chr17-3524641-C-A.
Other names: short protein forms G238V.
Identifiers: ClinVar variation 1374529 (VCV001374529.6), dbSNP rs1338273369, ClinGen allele CA397700484.